The following is an entry in ClinVar:

ClinVar aggregate classification (germline): Uncertain significance. Review status: criteria provided, single submitter (1 of 4 stars). 2 submissions from 2 submitters: Uncertain significance (1). 1 of the submissions does not count toward it. Last evaluated 2022-02-10.

Conditions:
Granulomatous disease, chronic, autosomal recessive, cytochrome b-negative. Also called: CGD DUE TO DEFICIENCY OF THE ALPHA SUBUNIT OF CYTOCHROME b; CGD, AUTOSOMAL RECESSIVE CYTOCHROME b-NEGATIVE; CYBA DEFICIENCY; GRANULOMATOUS DISEASE, CHRONIC, AUTOSOMAL RECESSIVE, 4; Chronic granulomatous disease, autosomal, due to deficiency of CYBA. Identifiers: Orphanet 379, MedGen C1856255, MONDO:0009308, OMIM 233690.
Chronic granulomatous disease. Identifiers: Orphanet 379, MedGen C0018203, MONDO:0018305.

Allele frequency attached by ClinVar (database versions not stated): ExAC 0.00003; gnomAD 0.00003; TOPMed 0.00003; ESP Exome Variant Server 0.00008.
gnomAD v4.1: 18 of 1,612,990 alleles (0.0011%); highest among the groups gnomAD compares: East Asian, 0.011%; no homozygotes.

Submissions (2):

Labcorp Genetics (formerly Invitae), Labcorp
Classification: Uncertain significance for Granulomatous disease, chronic, autosomal recessive, cytochrome b-negative. Last evaluated: 2022-02-10. Review status: criteria provided, single submitter. Criteria: Invitae Variant Classification Sherloc (09022015). Collection method: clinical testing. Allele origin: germline.
Comment: This sequence change replaces arginine, which is basic and polar, with histidine, which is basic and polar, at codon 32 of the CYBA protein (p.Arg32His). This variant is present in population databases (rs368862873, gnomAD 0.02%). This variant has not been reported in the literature in individuals affected with CYBA-related conditions. ClinVar contains an entry for this variant (Variation ID: 1001140). Algorithms developed to predict the effect of missense changes on protein structure and function (SIFT, PolyPhen-2, Align-GVGD) all suggest that this variant is likely to be tolerated. In summary, the available evidence is currently insufficient to determine the role of this variant in disease. Therefore, it has been classified as a Variant of Uncertain Significance.

Natera, Inc.
Classification: Uncertain significance for Chronic granulomatous disease. Last evaluated: 2020-04-09. Review status: no assertion criteria provided. Collection method: clinical testing. Allele origin: germline. Not counted in ClinVar's aggregate classification.

NM_000101.4(CYBA):c.95G>A (p.Arg32His)

Gene: CYBA (cytochrome b-245 alpha chain; minus strand). Cytogenetic location: 16q24.2.
Variant type: single nucleotide variant.
Coding change: c.95G>A on transcript NM_000101.4 (MANE Select); coding-DNA position 95, G replaced by A.
Protein change: p.Arg32His; replaces arginine 32 with histidine.
Molecular consequence: missense variant.
Genome position (GRCh38, 1-based): chr16:88,648,078, C>T on the plus strand (G>A on the coding strand, the complement: CYBA is on the minus strand). VCF-style: chr16-88648078-C-T. GRCh37 (hg19) VCF-style: chr16-88714486-C-T.
Other names: short protein forms R32H.
Identifiers: ClinVar variation 1001140 (VCV001001140.3), dbSNP rs368862873, ClinGen allele CA8228447.